The following is an entry in ClinVar:

NM_000051.4(ATM):c.3403-1G>A

Gene: ATM (ATM serine/threonine kinase; plus strand). Cytogenetic location: 11q22.3.
Variant type: single nucleotide variant.
Coding change: c.3403-1G>A on transcript NM_000051.4 (MANE Select); the canonical splice acceptor site of the intron before coding-DNA position 3403, G replaced by A.
Molecular consequence: splice acceptor variant.
Genome position (GRCh38, 1-based): chr11:108,280,994, G>A. VCF-style: chr11-108280994-G-A. GRCh37 (hg19) VCF-style: chr11-108151721-G-A.
Other names: c.3403-1G>A (NM_001351834.2).
Identifiers: ClinVar variation 479051 (VCV000479051.13), dbSNP rs1555091120, ClinGen allele CA382518811.

ClinVar aggregate classification (germline): Likely pathogenic. Review status: criteria provided, multiple submitters, no conflicts (2 of 4 stars). 2 submissions from 2 submitters: Likely pathogenic (2). Last evaluated 2021-06-12.

Conditions:
Hereditary cancer-predisposing syndrome. Also called: Tumor predisposition; Neoplastic Syndromes, Hereditary; Hereditary Cancer Syndrome; Hereditary neoplastic syndrome. Identifiers: Orphanet 140162, MedGen C0027672, MeSH D009386, MONDO:0015356.
Ataxia-telangiectasia syndrome (AT). Also called: Cerebello-oculocutaneous telangiectasia; Immunodeficiency with ataxia telangiectasia; ATAXIA-TELANGIECTASIA, COMPLEMENTATION GROUP A; Ataxia-telangiectasia, complementation group D; AT, COMPLEMENTATION GROUP C; ATAXIA-TELANGIECTASIA, FRESNO VARIANT. Identifiers: Orphanet 100, MedGen C0004135, MONDO:0008840, OMIM 208900.

Allele frequency attached by ClinVar (database versions not stated): gnomAD exomes below 0.00001.
gnomAD v4.1: 1 of 1,599,904 alleles (0.000063%); highest among the groups gnomAD compares: Non-Finnish European, 0.000085%; no homozygotes.

Submissions (2):

Labcorp Genetics (formerly Invitae), Labcorp
Classification: Likely pathogenic for Ataxia-telangiectasia syndrome. Last evaluated: 2021-06-12. Review status: criteria provided, single submitter. Criteria: Invitae Variant Classification Sherloc (09022015). Collection method: clinical testing. Allele origin: germline.
Comment: Algorithms developed to predict the effect of sequence changes on RNA splicing suggest that this variant may disrupt the consensus splice site, but this prediction has not been confirmed by published transcriptional studies. In summary, the currently available evidence indicates that the variant is pathogenic, but additional data are needed to prove that conclusively. Therefore, this variant has been classified as Likely Pathogenic. This variant has not been reported in the literature in individuals with ATM-related conditions. ClinVar contains an entry for this variant (Variation ID: 479051). This variant is not present in population databases (ExAC no frequency). This sequence change affects an acceptor splice site in intron 23 of the ATM gene. It is expected to disrupt RNA splicing. Variants that disrupt the donor or acceptor splice site typically lead to a loss of protein function (PMID: 16199547), and loss-of-function variants in ATM are known to be pathogenic (PMID: 23807571, 25614872).

Ambry Genetics
Classification: Likely pathogenic for Hereditary cancer-predisposing syndrome. Last evaluated: 2016-11-30. Review status: criteria provided, single submitter. Criteria: Ambry Variant Classification Scheme 2023. Collection method: clinical testing. Allele origin: germline.
Comment: The c.3403-1G>A intronic variant results from a G to A substitution one nucleotide upstream from coding exon 23 of the ATM gene. This nucleotide position is highly conserved in available vertebrate species. Using the BDGP and ESEfinder splice site prediction tools, this alteration is expected to abolish the native splice acceptor site; however, direct evidence is unavailable. Alterations that disrupt the canonical splice site are expected to cause aberrant splicing, resulting in an abnormal protein or a transcript that is subject to nonsense-mediated mRNA decay. As such, this alteration is classified as likely pathogenic.

Literature cited by the submitters: PubMed 16199547 (cited by Labcorp Genetics (formerly Invitae), Labcorp); PubMed 23807571 (cited by Labcorp Genetics (formerly Invitae), Labcorp); PubMed 25614872 (cited by Labcorp Genetics (formerly Invitae), Labcorp).